The following is an entry in ClinVar:

ClinVar aggregate classification (germline): Uncertain significance. Review status: criteria provided, multiple submitters, no conflicts (2 of 4 stars). 5 submissions from 5 submitters: Uncertain significance (5). Last evaluated 2026-06-08.

Conditions:
NPHP1-related disorder. Also called: NPHP1-related condition; NPHP1-related disorders.
Nephronophthisis. Also called: Juvenile Nephronophthisis. Identifiers: Orphanet 655, MedGen C0687120, MONDO:0019005, HP:0000090.
Nephronophthisis 1 (NPHP1). Also called: Nephronophthisis familial juvenile. Identifiers: Orphanet 655, Orphanet 93592, MedGen C1855681, MONDO:0009728, OMIM 256100.
Senior-Loken syndrome 1 (SLSN1). Also called: JUVENILE NEPHRONOPHTHISIS WITH LEBER AMAUROSIS. Identifiers: Orphanet 3156, MedGen C4551559, MONDO:0009962, OMIM 266900.
Joubert syndrome with renal defect. Also called: JOUBERT SYNDROME 4. Identifiers: Orphanet 220497, MedGen C1846790, MONDO:0012308, OMIM 609583.

Allele frequency attached by ClinVar (database versions not stated): ExAC 0.00001; gnomAD exomes 0.00002 and 0.00007; TOPMed 0.00002.
gnomAD v4.1: 98 of 1,598,294 alleles (0.0061%); highest among the groups gnomAD compares: Non-Finnish European, 0.0082%; no homozygotes.

Submissions (5):

PreventionGenetics, part of Exact Sciences
Classification: Uncertain significance for NPHP1-related condition. Last evaluated: 2026-06-08. Review status: criteria provided, single submitter. Criteria: ACMG Guidelines, 2015. Collection method: clinical testing. Allele origin: germline.
Comment: The NPHP1 c.1709A>G variant is predicted to result in the amino acid substitution p.Glu570Gly. To our knowledge, this variant has not been reported in the literature. This variant is reported in 0.0035% of alleles in individuals of European (Non-Finnish) descent in gnomAD. At this time, the clinical significance of this variant is uncertain due to the absence of conclusive functional and genetic evidence.

Labcorp Genetics (formerly Invitae), Labcorp
Classification: Uncertain significance for Nephronophthisis. Last evaluated: 2023-12-11. Review status: criteria provided, single submitter. Criteria: Invitae Variant Classification Sherloc (09022015). Collection method: clinical testing. Allele origin: germline.
Comment: This sequence change replaces glutamic acid, which is acidic and polar, with glycine, which is neutral and non-polar, at codon 570 of the NPHP1 protein (p.Glu570Gly). This variant is present in population databases (rs755592231, gnomAD 0.004%). This variant has not been reported in the literature in individuals affected with NPHP1-related conditions. ClinVar contains an entry for this variant (Variation ID: 597137). Advanced modeling of protein sequence and biophysical properties (such as structural, functional, and spatial information, amino acid conservation, physicochemical variation, residue mobility, and thermodynamic stability) performed at Invitae indicates that this missense variant is not expected to disrupt NPHP1 protein function with a negative predictive value of 80%. In summary, the available evidence is currently insufficient to determine the role of this variant in disease. Therefore, it has been classified as a Variant of Uncertain Significance.

Blueprint Genetics
Classification: Uncertain significance. Last evaluated: 2022-07-14. Review status: criteria provided, single submitter. Criteria: ACMG Guidelines, 2015. Collection method: clinical testing. Allele origin: germline.

Fulgent Genetics
Classification: Uncertain significance for Nephronophthisis 1; Senior-Loken syndrome 1; Joubert syndrome with renal defect. Last evaluated: 2022-01-28. Review status: criteria provided, single submitter. Criteria: ACMG Guidelines, 2015. Collection method: clinical testing. Allele origin: unknown.

Eurofins Ntd Llc (ga)
Classification: Uncertain significance. Last evaluated: 2018-05-08. Review status: criteria provided, single submitter. Criteria: EGL ClinVar v180209 classification definitions. Collection method: clinical testing. Allele origin: germline. Observed: 1 variant allele, 1 heterozygote.

NM_001128178.3(NPHP1):c.1541A>G (p.Glu514Gly)

Gene: NPHP1 (nephrocystin 1; minus strand). Cytogenetic location: 2q13.
Variant type: single nucleotide variant.
Coding change: c.1541A>G on transcript NM_001128178.3 (MANE Select); coding-DNA position 1541, A replaced by G.
Protein change: p.Glu514Gly; replaces glutamic acid 514 with glycine.
Molecular consequence: missense variant.
Genome position (GRCh38, 1-based): chr2:110,131,780, T>C on the plus strand (A>G on the coding strand, the complement: NPHP1 is on the minus strand). VCF-style: chr2-110131780-T-C. GRCh37 (hg19) VCF-style: chr2-110889357-T-C.
Other names: c.1709A>G, p.Glu570Gly (NM_000272.5); c.1352A>G, p.Glu451Gly (NM_001128179.3); c.1538A>G, p.Glu513Gly (NM_001374256.1); c.1541A>G, p.Glu514Gly (NM_001374257.1); c.1706A>G, p.Glu569Gly (NM_207181.4); short protein forms E570G, E451G, E569G, E514G, E513G.
Identifiers: ClinVar variation 597137 (VCV000597137.15), dbSNP rs755592231, ClinGen allele CA1826973.